The following is an entry in ClinVar:

ClinVar aggregate classification (germline): Uncertain significance. Review status: criteria provided, multiple submitters, no conflicts (2 of 4 stars). 2 submissions from 2 submitters: Uncertain significance (2). Last evaluated 2025-11-28.

Conditions:
Inborn genetic diseases. Identifiers: MedGen C0950123, MeSH D030342.

Allele frequency attached by ClinVar (database versions not stated): TOPMed below 0.00001; gnomAD 0.00001; gnomAD exomes 0.00001; ExAC 0.00003; 1000 Genomes Project 30x 0.00016; 1000 Genomes Project 0.00020.
gnomAD v4.1: 24 of 1,613,866 alleles (0.0015%); highest among the groups gnomAD compares: East Asian, 0.018%; 1 homozygote.

Submissions (2):

Labcorp Genetics (formerly Invitae), Labcorp
Classification: Uncertain significance. Last evaluated: 2025-11-28. Review status: criteria provided, single submitter. Criteria: Invitae Variant Classification Sherloc (09022015). Collection method: clinical testing. Allele origin: germline.
Comment: This sequence change replaces phenylalanine, which is neutral and non-polar, with serine, which is neutral and polar, at codon 773 of the CDAN1 protein (p.Phe773Ser). This variant is present in population databases (rs367777580, gnomAD 0.03%). This variant has not been reported in the literature in individuals affected with CDAN1-related conditions. ClinVar contains an entry for this variant (Variation ID: 3140746). An algorithm developed to predict the effect of missense changes on protein structure and function outputs the following: PolyPhen-2: "Benign". The serine amino acid residue is found in multiple mammalian species, which suggests that this missense change does not adversely affect protein function. In summary, the available evidence is currently insufficient to determine the role of this variant in disease. Therefore, it has been classified as a Variant of Uncertain Significance.

Ambry Genetics
Classification: Uncertain significance for Inborn genetic diseases. Last evaluated: 2024-02-05. Review status: criteria provided, single submitter. Criteria: Ambry Variant Classification Scheme 2023. Collection method: clinical testing. Allele origin: germline.

NM_138477.4(CDAN1):c.2318T>C (p.Phe773Ser)

Gene: CDAN1 (codanin 1; minus strand). Cytogenetic location: 15q15.2.
Variant type: single nucleotide variant.
Coding change: c.2318T>C on transcript NM_138477.4 (MANE Select); coding-DNA position 2318, T replaced by C.
Protein change: p.Phe773Ser; replaces phenylalanine 773 with serine.
Molecular consequence: missense variant.
Genome position (GRCh38, 1-based): chr15:42,729,830, A>G on the plus strand (T>C on the coding strand, the complement: CDAN1 is on the minus strand). VCF-style: chr15-42729830-A-G. GRCh37 (hg19) VCF-style: chr15-43022028-A-G.
Other names: short protein forms F773S.
Identifiers: ClinVar variation 3140746 (VCV003140746.2), dbSNP rs367777580, ClinGen allele CA7515722.